The following is an entry in ClinVar:

NM_017802.4(DNAAF5):c.1735G>A (p.Ala579Thr)

Gene: DNAAF5 (dynein axonemal assembly factor 5; plus strand). Cytogenetic location: 7p22.3.
Variant type: single nucleotide variant.
Coding change: c.1735G>A on transcript NM_017802.4 (MANE Select); coding-DNA position 1735, G replaced by A.
Protein change: p.Ala579Thr; replaces alanine 579 with threonine.
Molecular consequence: missense variant. On other transcripts: non-coding transcript variant (1).
Genome position (GRCh38, 1-based): chr7:763,926, G>A. VCF-style: chr7-763926-G-A. GRCh37 (hg19) VCF-style: chr7-803563-G-A.
Other names: short protein forms A579T.
Identifiers: ClinVar variation 837015 (VCV000837015.17), dbSNP rs769804298, ClinGen allele CA4110836.

ClinVar aggregate classification (germline): Uncertain significance (1 of 4 stars; one submission).

Conditions:
Primary ciliary dyskinesia. Also called: Ciliary dyskinesia. Identifiers: Orphanet 244, MedGen C0008780, MONDO:0016575, HP:0012265.

Allele frequency attached by ClinVar (database versions not stated): ExAC 0.00001; gnomAD 0.00001; TOPMed 0.00002.
gnomAD v4.1: 10 of 1,609,826 alleles (0.00062%); highest among the groups gnomAD compares: African/African-American, 0.004%; no homozygotes.

Submission:

Labcorp Genetics (formerly Invitae), Labcorp
Classification: Uncertain significance for Primary ciliary dyskinesia. Last evaluated: 2019-03-18. Review status: criteria provided, single submitter. Criteria: Invitae Variant Classification Sherloc (09022015). Collection method: clinical testing. Allele origin: germline.
Comment: In summary, the available evidence is currently insufficient to determine the role of this variant in disease. Therefore, it has been classified as a Variant of Uncertain Significance. Algorithms developed to predict the effect of missense changes on protein structure and function (SIFT, PolyPhen-2, Align-GVGD) all suggest that this variant is likely to be tolerated, but these predictions have not been confirmed by published functional studies and their clinical significance is uncertain. This variant has not been reported in the literature in individuals with DNAAF5-related conditions. This variant is present in population databases (rs769804298, ExAC 0.006%). This sequence change replaces alanine with threonine at codon 579 of the DNAAF5 protein (p.Ala579Thr). The alanine residue is weakly conserved and there is a small physicochemical difference between alanine and threonine.